The following is an entry in ClinVar:

NM_002591.4(PCK1):c.922G>A (p.Val308Ile)

Gene: PCK1 (phosphoenolpyruvate carboxykinase 1; plus strand). Cytogenetic location: 20q13.31.
Variant type: single nucleotide variant.
Coding change: c.922G>A on transcript NM_002591.4 (MANE Select); coding-DNA position 922, G replaced by A.
Protein change: p.Val308Ile; replaces valine 308 with isoleucine.
Molecular consequence: missense variant.
Genome position (GRCh38, 1-based): chr20:57,563,688, G>A. VCF-style: chr20-57563688-G-A. GRCh37 (hg19) VCF-style: chr20-56138744-G-A.
Other names: short protein forms V308I.
Identifiers: ClinVar variation 1360155 (VCV001360155.6), dbSNP rs45603039, ClinGen allele CA9922207.

ClinVar aggregate classification (germline): Uncertain significance. Review status: criteria provided, multiple submitters, no conflicts (2 of 4 stars). 2 submissions from 2 submitters: Uncertain significance (2). Last evaluated 2025-09-05.

Allele frequency attached by ClinVar (database versions not stated): ESP Exome Variant Server 0.00008; gnomAD 0.00010 and 0.00011; ExAC 0.00012; gnomAD exomes 0.00014; TOPMed 0.00014; 1000 Genomes Project 30x 0.00016; 1000 Genomes Project 0.00020.
gnomAD v4.1: 193 of 1,613,346 alleles (0.012%); highest among the groups gnomAD compares: Admixed American, 0.037%; no homozygotes.

Submissions (2):

Labcorp Genetics (formerly Invitae), Labcorp
Classification: Uncertain significance. Last evaluated: 2025-09-05. Review status: criteria provided, single submitter. Criteria: Invitae Variant Classification Sherloc (09022015). Collection method: clinical testing. Allele origin: germline.
Comment: This sequence change replaces valine, which is neutral and non-polar, with isoleucine, which is neutral and non-polar, at codon 308 of the PCK1 protein (p.Val308Ile). This variant is present in population databases (rs45603039, gnomAD 0.05%). This variant has not been reported in the literature in individuals affected with PCK1-related conditions. ClinVar contains an entry for this variant (Variation ID: 1360155). Invitae Evidence Modeling of protein sequence and biophysical properties (such as structural, functional, and spatial information, amino acid conservation, physicochemical variation, residue mobility, and thermodynamic stability) indicates that this missense variant is not expected to disrupt PCK1 protein function with a negative predictive value of 80%. In summary, the available evidence is currently insufficient to determine the role of this variant in disease. Therefore, it has been classified as a Variant of Uncertain Significance.

Blueprint Genetics
Classification: Uncertain significance. Last evaluated: 2024-11-25. Review status: criteria provided, single submitter. Criteria: ACMG Guidelines, 2015. Collection method: clinical testing. Allele origin: germline.